The following is an entry in ClinVar:

NM_000053.4(ATP7B):c.2162C>A (p.Ser721Tyr)

Gene: ATP7B (ATPase copper transporting beta; minus strand). Cytogenetic location: 13q14.3.
Variant type: single nucleotide variant.
Coding change: c.2162C>A on transcript NM_000053.4 (MANE Select); coding-DNA position 2162, C replaced by A.
Protein change: p.Ser721Tyr; replaces serine 721 with tyrosine.
Molecular consequence: missense variant. On other transcripts: intron variant (20).
Genome position (GRCh38, 1-based): chr13:51,958,504, G>T on the plus strand (C>A on the coding strand, the complement: ATP7B is on the minus strand). VCF-style: chr13-51958504-G-T. GRCh37 (hg19) VCF-style: chr13-52532640-G-T.
Other names: c.2162C>A (NM_000053.3); c.1829C>A, p.Ser610Tyr (NM_001243182.2); c.1910C>A, p.Ser637Tyr (NM_001330579.2, NM_001406532.1, NM_001406540.1 and 1 more transcripts); c.2162C>A, p.Ser721Tyr (NM_001406511.1, NM_001406512.1, NM_001406513.1 and 7 more transcripts); c.1733C>A, p.Ser578Tyr (NM_001406539.1); c.1814C>A, p.Ser605Tyr (NM_001406543.1); c.1870-897C>A (NM_001406541.1, NM_001005918.3, NM_001406546.1 and 1 more transcripts); c.2122-897C>A (NM_001406527.1, NM_001406528.1, NM_001406534.1 and 2 more transcripts); and 9 more; short protein forms S578Y, S605Y, S610Y, S637Y, S689Y, S710Y, S721Y.
Identifiers: ClinVar variation 3072664 (VCV003072664.2), dbSNP rs1794191672, ClinGen allele CA388023109.

ClinVar aggregate classification (germline): Uncertain significance. Review status: criteria provided, multiple submitters, no conflicts (2 of 4 stars). 2 submissions from 2 submitters: Uncertain significance (2). Last evaluated 2024-11-08.

Conditions:
Inborn genetic diseases. Identifiers: MedGen C0950123, MeSH D030342.
Wilson disease (WND). Also called: Wilson's disease. Identifiers: Orphanet 905, MedGen C0019202, MONDO:0010200, OMIM 277900. Disease mechanism: loss of function.

Allele frequency attached by ClinVar (database versions not stated): gnomAD exomes below 0.00001; TOPMed below 0.00001.
gnomAD v4.1: 1 of 1,614,254 alleles (0.000062%); highest among the groups gnomAD compares: Non-Finnish European, 0.000085%; no homozygotes.

Submissions (2):

Ambry Genetics
Classification: Uncertain significance for Inborn genetic diseases. Last evaluated: 2024-11-08. Review status: criteria provided, single submitter. Criteria: Ambry Variant Classification Scheme 2023. Collection method: clinical testing. Allele origin: germline.

All of Us Research Program, National Institutes of Health
Classification: Uncertain significance for Wilson disease. Last evaluated: 2023-08-15. Review status: criteria provided, single submitter. Criteria: ACMG Guidelines, 2015. Collection method: clinical testing. Allele origin: germline. Inheritance: Autosomal recessive inheritance. Observed: 1 variant allele, 1 heterozygote.
Comment: This missense variant replaces serine with tyrosine at codon 721 of the ATP7B protein. Computational prediction suggests that this variant may have deleterious impact on protein structure and function (internally defined REVEL score threshold >= 0.7, PMID: 27666373). To our knowledge, functional studies have not been reported for this variant. This variant has not been reported in individuals affected with ATP7B-related disorders in the literature. This variant has not been identified in the general population by the Genome Aggregation Database (gnomAD). The available evidence is insufficient to determine the role of this variant in disease conclusively. Therefore, this variant is classified as a Variant of Uncertain Significance.

This study involves interpretation of variants in research participants for the purpose of population health screening. Participant phenotype was not available at the time of variant classification. Additional details can be found in publication PMID: 35346344, PMCID: PMC8962531